The following is an entry in ClinVar:

NM_001134363.3(RBM20):c.3512C>A (p.Thr1171Lys)

Gene: RBM20 (RNA binding motif protein 20; plus strand). Cytogenetic location: 10q25.2.
Variant type: single nucleotide variant.
Coding change: c.3512C>A on transcript NM_001134363.3 (MANE Select); coding-DNA position 3512, C replaced by A.
Protein change: p.Thr1171Lys; replaces threonine 1171 with lysine.
Molecular consequence: missense variant.
Genome position (GRCh38, 1-based): chr10:110,831,121, C>A. VCF-style: chr10-110831121-C-A. GRCh37 (hg19) VCF-style: chr10-112590879-C-A.
Other names: short protein forms T1171K.
Identifiers: ClinVar variation 1026203 (VCV001026203.10), dbSNP rs371181124, ClinGen allele CA378386587.

ClinVar aggregate classification (germline): Uncertain significance. Review status: criteria provided, multiple submitters, no conflicts (2 of 4 stars). 2 submissions from 2 submitters: Uncertain significance (2). Last evaluated 2025-07-20.

Conditions:
Cardiovascular phenotype. Identifiers: MedGen CN230736.
Dilated cardiomyopathy 1DD (CMD1DD). Identifiers: Orphanet 154, MedGen C2750995, MONDO:0013168, OMIM 613172.

gnomAD v4.1: 2 of 1,551,564 alleles (0.00013%); highest among the groups gnomAD compares: Non-Finnish European, 0.00017%; no homozygotes.

Submissions (2):

Labcorp Genetics (formerly Invitae), Labcorp
Classification: Uncertain significance for Dilated cardiomyopathy 1DD. Last evaluated: 2025-07-20. Review status: criteria provided, single submitter. Criteria: Invitae Variant Classification Sherloc (09022015). Collection method: clinical testing. Allele origin: germline.
Comment: This sequence change replaces threonine, which is neutral and polar, with lysine, which is basic and polar, at codon 1171 of the RBM20 protein (p.Thr1171Lys). This variant is not present in population databases (gnomAD no frequency). This variant has not been reported in the literature in individuals affected with RBM20-related conditions. ClinVar contains an entry for this variant (Variation ID: 1026203). Invitae Evidence Modeling of protein sequence and biophysical properties (such as structural, functional, and spatial information, amino acid conservation, physicochemical variation, residue mobility, and thermodynamic stability) indicates that this missense variant is not expected to disrupt RBM20 protein function with a negative predictive value of 95%. In summary, the available evidence is currently insufficient to determine the role of this variant in disease. Therefore, it has been classified as a Variant of Uncertain Significance.

Ambry Genetics
Classification: Uncertain significance for Cardiovascular phenotype. Last evaluated: 2020-02-14. Review status: criteria provided, single submitter. Criteria: Ambry Variant Classification Scheme 2023. Collection method: clinical testing. Allele origin: germline.
Comment: The p.T1171K variant (also known as c.3512C>A), located in coding exon 13 of the RBM20 gene, results from a C to A substitution at nucleotide position 3512. The threonine at codon 1171 is replaced by lysine, an amino acid with similar properties. Another alteration affecting the same amino acid, p.T1171M (c.3512C>T), has been reported in association with sudden unexpected death (Suktitipat B et al. PLoS ONE, 2017 Jul;12:e0180056). This amino acid position is highly conserved in available vertebrate species. In addition, the in silico prediction for this alteration is inconclusive. Since supporting evidence is limited at this time, the clinical significance of this alteration remains unclear.